The following is an entry in ClinVar:

NM_012213.3(MLYCD):c.901G>C (p.Val301Leu)

Genes: MLYCD (malonyl-CoA decarboxylase; plus strand), LOC126862422 (CDK7 strongly-dependent group 2 enhancer GRCh37_chr16:83945234-83946433; plus strand). Cytogenetic location: 16q23.3.
Variant type: single nucleotide variant.
Coding change: c.901G>C on transcript NM_012213.3 (MANE Select); coding-DNA position 901, G replaced by C.
Protein change: p.Val301Leu; replaces valine 301 with leucine.
Molecular consequence: missense variant.
Genome position (GRCh38, 1-based): chr16:83,912,320, G>C. VCF-style: chr16-83912320-G-C. GRCh37 (hg19) VCF-style: chr16-83945925-G-C.
Other names: short protein forms V301L.
Identifiers: ClinVar variation 460447 (VCV000460447.8), dbSNP rs199656023, ClinGen allele CA8197424.
Genomic context (GRCh38, chr16:83,912,320, plus strand): 5'-AACAAAATCACTGCTGCGATCTTTTATTCCATCAGCTTGACCCAGCAGGGACTCCAAGGG[G>C]TGGAGCTGGGAACATTCCTCATAAAGCGAGTCGTCAAGGAGTTGCAGGTAAGCGACACGC-3'
Protein context (NP_036345.2, residues 291-311): ISLTQQGLQG[Val301Leu]ELGTFLIKRV

ClinVar aggregate classification (germline): Uncertain significance. Review status: criteria provided, multiple submitters, no conflicts (2 of 4 stars). 3 submissions from 3 submitters: Uncertain significance (3). Last evaluated 2026-06-26.

Conditions:
Deficiency of malonyl-CoA decarboxylase. Also called: Malonic aciduria; MCD deficiency. Identifiers: Orphanet 943, MedGen C0342793, MONDO:0009556, OMIM 248360.
Inborn genetic diseases. Identifiers: MedGen C0950123, MeSH D030342.

Allele frequency attached by ClinVar (database versions not stated): TOPMed 0.00005; 1000 Genomes Project 0.00020; 1000 Genomes Project 30x 0.00031; gnomAD 0.00006 and 0.00007; ExAC 0.00008; gnomAD exomes 0.00008.
gnomAD v4.1: 77 of 1,614,194 alleles (0.0048%); highest among the groups gnomAD compares: Admixed American, 0.027%; no homozygotes.

Submissions (3):

Women's Health and Genetics/Laboratory Corporation of America, LabCorp
Classification: Uncertain significance. Last evaluated: 2026-06-26. Review status: criteria provided, single submitter. Criteria: LabCorp Variant Classification Summary - May 2015. Collection method: clinical testing. Allele origin: germline.
Comment: Variant summary: MLYCD c.901G>C (p.Val301Leu) results in a conservative amino acid change in the encoded protein sequence. Algorithms developed to predict the effect of missense changes on protein structure and function are either unavailable or do not agree on the potential impact of this missense change. The variant allele was found at a frequency of 8e-05 in 249536 control chromosomes. This frequency is not significantly higher than estimated for disease-causing variants in MLYCD, allowing no conclusion about variant significance. To our knowledge, no occurrence of c.901G>C in individuals affected with MLYCD-related conditions and no experimental evidence demonstrating its impact on protein function have been reported. ClinVar contains an entry for this variant (Variation ID: 460447). Based on the evidence outlined above, the variant was classified as uncertain significance.

Labcorp Genetics (formerly Invitae), Labcorp
Classification: Uncertain significance for Deficiency of malonyl-CoA decarboxylase. Last evaluated: 2025-02-24. Review status: criteria provided, single submitter. Criteria: Invitae Variant Classification Sherloc (09022015). Collection method: clinical testing. Allele origin: germline.
Comment: This sequence change replaces valine, which is neutral and non-polar, with leucine, which is neutral and non-polar, at codon 301 of the MLYCD protein (p.Val301Leu). This variant is present in population databases (rs199656023, gnomAD 0.03%). This variant has not been reported in the literature in individuals affected with MLYCD-related conditions. ClinVar contains an entry for this variant (Variation ID: 460447). Invitae Evidence Modeling of protein sequence and biophysical properties (such as structural, functional, and spatial information, amino acid conservation, physicochemical variation, residue mobility, and thermodynamic stability) indicates that this missense variant is expected to disrupt MLYCD protein function with a positive predictive value of 95%. In summary, the available evidence is currently insufficient to determine the role of this variant in disease. Therefore, it has been classified as a Variant of Uncertain Significance.

Ambry Genetics
Classification: Uncertain significance for Inborn genetic diseases. Last evaluated: 2025-02-23. Review status: criteria provided, single submitter. Criteria: Ambry Variant Classification Scheme 2023. Collection method: clinical testing. Allele origin: germline.